The following is an entry in ClinVar:

ClinVar aggregate classification (germline): Uncertain significance (1 of 4 stars; one submission).

Submission:

GeneDx
Classification: Uncertain significance. Last evaluated: 2024-09-17. Review status: criteria provided, single submitter. Criteria: GeneDx Variant Classification Process June 2021. Collection method: clinical testing. Allele origin: germline. Affected: yes.
Comment: Not observed at significant frequency in large population cohorts (gnomAD); In silico analysis supports that this missense variant has a deleterious effect on protein structure/function; Has not been previously published as pathogenic or benign to our knowledge

NM_018489.3(ASH1L):c.6206A>G (p.Tyr2069Cys)

Gene: ASH1L (ASH1 like histone lysine methyltransferase; minus strand). Cytogenetic location: 1q22.
Variant type: single nucleotide variant.
Coding change: c.6206A>G on transcript NM_018489.3 (MANE Select); coding-DNA position 6206, A replaced by G.
Protein change: p.Tyr2069Cys; replaces tyrosine 2069 with cysteine.
Molecular consequence: missense variant.
Genome position (GRCh38, 1-based): chr1:155,378,520, T>C on the plus strand (A>G on the coding strand, the complement: ASH1L is on the minus strand). VCF-style: chr1-155378520-T-C. GRCh37 (hg19) VCF-style: chr1-155348311-T-C.
Other names: c.6221A>G, p.Tyr2074Cys (NM_001366177.2); short protein forms Y2069C, Y2074C.
Identifiers: ClinVar variation 3769741 (VCV003769741.1).